The following is an entry in ClinVar:

NM_014014.5(SNRNP200):c.2365A>G (p.Met789Val)

Gene: SNRNP200 (small nuclear ribonucleoprotein U5 subunit 200; minus strand). Cytogenetic location: 2q11.2.
Variant type: single nucleotide variant.
Coding change: c.2365A>G on transcript NM_014014.5 (MANE Select); coding-DNA position 2365, A replaced by G.
Protein change: p.Met789Val; replaces methionine 789 with valine.
Molecular consequence: missense variant.
Genome position (GRCh38, 1-based): chr2:96,291,448, T>C on the plus strand (A>G on the coding strand, the complement: SNRNP200 is on the minus strand). VCF-style: chr2-96291448-T-C. GRCh37 (hg19) VCF-style: chr2-96957186-T-C.
Other names: c.2365A>G (NM_014014.4); short protein forms M789V.
Identifiers: ClinVar variation 2812345 (VCV002812345.4), dbSNP rs1314881393, ClinGen allele CA347677680.

ClinVar aggregate classification (germline): Uncertain significance. Review status: criteria provided, multiple submitters, no conflicts (2 of 4 stars). 2 submissions from 2 submitters: Uncertain significance (2). Last evaluated 2024-12-05.

Conditions:
Inborn genetic diseases. Identifiers: MedGen C0950123, MeSH D030342.

Allele frequency attached by ClinVar (database versions not stated): TOPMed below 0.00001; gnomAD 0.00001.

Submissions (2):

Ambry Genetics
Classification: Uncertain significance for Inborn genetic diseases. Last evaluated: 2024-12-05. Review status: criteria provided, single submitter. Criteria: Ambry Variant Classification Scheme 2023. Collection method: clinical testing. Allele origin: germline.

Labcorp Genetics (formerly Invitae), Labcorp
Classification: Uncertain significance. Last evaluated: 2023-04-25. Review status: criteria provided, single submitter. Criteria: Invitae Variant Classification Sherloc (09022015). Collection method: clinical testing. Allele origin: germline.
Comment: This sequence change replaces methionine, which is neutral and non-polar, with valine, which is neutral and non-polar, at codon 789 of the SNRNP200 protein (p.Met789Val). In summary, the available evidence is currently insufficient to determine the role of this variant in disease. Therefore, it has been classified as a Variant of Uncertain Significance. Advanced modeling of protein sequence and biophysical properties (such as structural, functional, and spatial information, amino acid conservation, physicochemical variation, residue mobility, and thermodynamic stability) performed at Invitae indicates that this missense variant is expected to disrupt SNRNP200 protein function. This variant has not been reported in the literature in individuals affected with SNRNP200-related conditions. This variant is not present in population databases (gnomAD no frequency).